The following is an entry in ClinVar:

ClinVar aggregate classification (germline): Likely pathogenic (1 of 4 stars; one submission).

Conditions:
CFI-related disorder. Also called: CFI-related condition; CFI-related disorders. Identifiers: MedGen CN239325.

Submission:

PreventionGenetics, part of Exact Sciences
Classification: Likely pathogenic for CFI-related condition. Last evaluated: 2023-08-04. Review status: criteria provided, single submitter. Criteria: ACMG Guidelines, 2015. Collection method: clinical testing. Allele origin: germline.
Comment: The CFI c.1458G>A variant is predicted to result in premature protein termination (p.Trp486*). To our knowledge, this variant has not been reported in the literature or in a large population database, indicating this variant is rare. Nonsense variants in CFI are expected to be pathogenic. This variant is interpreted as likely pathogenic.

NM_000204.5(CFI):c.1458G>A (p.Trp486Ter)

Gene: CFI (complement factor I; minus strand). Cytogenetic location: 4q25.
Variant type: single nucleotide variant.
Coding change: c.1458G>A on transcript NM_000204.5 (MANE Select); coding-DNA position 1458, G replaced by A.
Protein change: p.Trp486Ter; replaces tryptophan 486 with a stop codon.
Molecular consequence: nonsense. On other transcripts: non-coding transcript variant (3).
Genome position (GRCh38, 1-based): chr4:109,742,567, C>T on the plus strand (G>A on the coding strand, the complement: CFI is on the minus strand). VCF-style: chr4-109742567-C-T. GRCh37 (hg19) VCF-style: chr4-110663723-C-T.
Other names: c.1482G>A, p.Trp494Ter (NM_001318057.2, NM_001375278.1); c.1437G>A, p.Trp479Ter (NM_001331035.2, NM_001375280.1, NM_001375282.1); c.1458G>A, p.Trp486Ter (NM_001375279.1, NM_001375281.1); c.1401G>A, p.Trp467Ter (NM_001375283.1); c.849G>A, p.Trp283Ter (NM_001375284.1); c.1458G>A (NM_000204.4); short protein forms W486*, W494*, W283*, W479*, W467*.
Identifiers: ClinVar variation 2631786 (VCV002631786.1), dbSNP rs1723935867, ClinGen allele CA357855250.
Genomic context (GRCh38, chr4:109,742,567, plus strand): 5'-TTTTTCATAGAAACGATTTCCGTAAAACTTAGAGCAGTTGCTTATTAGTTTAACTTCACC[C>T]CACTGAAGTGAAAAGACTCTTTCGTTATCTAAACAAAGTGAGAAAGCAAACATTTAGAAG-3'